The following is an entry in ClinVar:

ClinVar aggregate classification (germline): Uncertain significance (1 of 4 stars; one submission).

Conditions:
Orthostatic hypotension 1 (ORTHYP1). Also called: Dopamine beta-hydroxylase deficiency; Orthostatic hypotension 1, due to DBH deficiency; NORADRENALINE DEFICIENCY; NOREPINEPHRINE DEFICIENCY. Identifiers: Orphanet 230, MedGen C4746777, MONDO:0009123, OMIM 223360.

Allele frequency attached by ClinVar (database versions not stated): gnomAD 0.00003; TOPMed 0.00005; ExAC 0.00006; ESP Exome Variant Server 0.00008.
gnomAD v4.1: 78 of 1,600,740 alleles (0.0049%); highest among the groups gnomAD compares: Non-Finnish European, 0.0042%; no homozygotes.

Submission:

Labcorp Genetics (formerly Invitae), Labcorp
Classification: Uncertain significance for Orthostatic hypotension 1. Last evaluated: 2022-01-20. Review status: criteria provided, single submitter. Criteria: Invitae Variant Classification Sherloc (09022015). Collection method: clinical testing. Allele origin: germline.
Comment: This sequence change replaces alanine, which is neutral and non-polar, with valine, which is neutral and non-polar, at codon 113 of the DBH protein (p.Ala113Val). In summary, the available evidence is currently insufficient to determine the role of this variant in disease. Therefore, it has been classified as a Variant of Uncertain Significance. Algorithms developed to predict the effect of missense changes on protein structure and function are either unavailable or do not agree on the potential impact of this missense change (SIFT: "Deleterious"; PolyPhen-2: "Benign"; Align-GVGD: "Class C0"). This variant has not been reported in the literature in individuals affected with DBH-related conditions. This variant is present in population databases (rs377299166, gnomAD 0.07%).

NM_000787.4(DBH):c.338C>T (p.Ala113Val)

Gene: DBH (dopamine beta-hydroxylase; plus strand). Cytogenetic location: 9q34.2.
Variant type: single nucleotide variant.
Coding change: c.338C>T on transcript NM_000787.4 (MANE Select); coding-DNA position 338, C replaced by T.
Protein change: p.Ala113Val; replaces alanine 113 with valine.
Molecular consequence: missense variant.
Genome position (GRCh38, 1-based): chr9:133,636,709, C>T. VCF-style: chr9-133636709-C-T. GRCh37 (hg19) VCF-style: chr9-136501831-C-T.
Other names: short protein forms A113V.
Identifiers: ClinVar variation 2056670 (VCV002056670.4), dbSNP rs377299166, ClinGen allele CA5313014.
Genomic context (GRCh38, chr9:133,636,709, plus strand): 5'-GCGAGCTTGAGAACGCAGATCTCGTGGTGCTCTGGACCGATGGGGACACTGCCTATTTTG[C>T]GGTGAGTCTCTCCTCCCTGCCAGCTCTCCAAACCCTTCCTGACCCGGCACCCCATCTGGC-3'
Protein context (NP_000778.3, residues 103-123): LWTDGDTAYF[Ala113Val]DAWSDQKGQI